The following is an entry in ClinVar:

ClinVar aggregate classification (germline): Uncertain significance (1 of 4 stars; one submission).

Conditions:
Primary ciliary dyskinesia. Also called: Ciliary dyskinesia. Identifiers: Orphanet 244, MedGen C0008780, MONDO:0016575, HP:0012265.

Submission:

Labcorp Genetics (formerly Invitae), Labcorp
Classification: Uncertain significance for Primary ciliary dyskinesia. Last evaluated: 2024-10-22. Review status: criteria provided, single submitter. Criteria: Invitae Variant Classification Sherloc (09022015). Collection method: clinical testing. Allele origin: germline.
Comment: This sequence change replaces tyrosine, which is neutral and polar, with cysteine, which is neutral and slightly polar, at codon 3894 of the DNAH11 protein (p.Tyr3894Cys). This variant is not present in population databases (gnomAD no frequency). This variant has not been reported in the literature in individuals affected with DNAH11-related conditions. Invitae Evidence Modeling of protein sequence and biophysical properties (such as structural, functional, and spatial information, amino acid conservation, physicochemical variation, residue mobility, and thermodynamic stability) indicates that this missense variant is not expected to disrupt DNAH11 protein function with a negative predictive value of 95%. In summary, the available evidence is currently insufficient to determine the role of this variant in disease. Therefore, it has been classified as a Variant of Uncertain Significance.

NM_001277115.2(DNAH11):c.11681A>G (p.Tyr3894Cys)

Gene: DNAH11 (dynein axonemal heavy chain 11; plus strand). Cytogenetic location: 7p15.3.
Variant type: single nucleotide variant.
Coding change: c.11681A>G on transcript NM_001277115.2 (MANE Select); coding-DNA position 11681, A replaced by G.
Protein change: p.Tyr3894Cys; replaces tyrosine 3894 with cysteine.
Molecular consequence: missense variant.
Genome position (GRCh38, 1-based): chr7:21,866,654, A>G. VCF-style: chr7-21866654-A-G. GRCh37 (hg19) VCF-style: chr7-21906272-A-G.
Other names: short protein forms Y3894C.
Identifiers: ClinVar variation 3718053 (VCV003718053.2).